The following is an entry in ClinVar:

NM_004656.4(BAP1):c.1962A>C (p.Val654=)

Gene: BAP1 (BRCA1 associated deubiquitinase 1; minus strand). Cytogenetic location: 3p21.1.
Variant type: single nucleotide variant.
Coding change: c.1962A>C on transcript NM_004656.4 (MANE Select); coding-DNA position 1962, A replaced by C.
Protein change: p.Val654=; no amino-acid change (valine 654 retained).
Molecular consequence: synonymous variant.
Genome position (GRCh38, 1-based): chr3:52,402,800, T>G on the plus strand (A>C on the coding strand, the complement: BAP1 is on the minus strand). VCF-style: chr3-52402800-T-G. GRCh37 (hg19) VCF-style: chr3-52436816-T-G.
Other names: c.1962A>C (LRG_529t1).
Identifiers: ClinVar variation 240054 (VCV000240054.62), dbSNP rs148624125, ClinGen allele CA2436651.

ClinVar aggregate classification (germline): Benign/Likely benign. Review status: criteria provided, multiple submitters, no conflicts (2 of 4 stars). 15 submissions from 15 submitters: Benign (6); Likely benign (8). 1 of the submissions does not count toward it. Last evaluated 2026-08-01.

Conditions:
BAP1-related disorder. Also called: BAP1-related condition.
Hereditary cancer-predisposing syndrome. Also called: Hereditary neoplastic syndrome; Hereditary Cancer Syndrome; Neoplastic Syndromes, Hereditary; Tumor predisposition. Identifiers: Orphanet 140162, MedGen C0027672, MeSH D009386, MONDO:0015356.
BAP1-related tumor predisposition syndrome (TPDS1). Also called: COMMON Syndrome; TUMOR PREDISPOSITION SYNDROME 1; BAP1 tumor predisposition syndrome; Tumor susceptibility linked to germline BAP1 mutations. Identifiers: Orphanet 289539, MedGen C3280492, MONDO:0013692, OMIM 614327.

Allele frequency attached by ClinVar (database versions not stated): gnomAD 0.00028 and 0.00031; gnomAD exomes 0.00029; TOPMed 0.00029; ESP Exome Variant Server 0.00023; ExAC 0.00024.
gnomAD v4.1: 314 of 1,614,120 alleles (0.019%); highest among the groups gnomAD compares: Middle Eastern, 0.049%; 1 homozygote.

Submissions (15):

CeGaT Center for Human Genetics Tuebingen
Classification: Likely benign. Last evaluated: 2026-08-01. Review status: criteria provided, single submitter. Criteria: CeGaT Center For Human Genetics Tuebingen Variant Classification Criteria Version 2. Collection method: clinical testing. Allele origin: germline. Affected: yes. Observed: 6 variant alleles.
Comment: BAP1: BP4, BP7

Labcorp Genetics (formerly Invitae), Labcorp
Classification: Benign for BAP1-related tumor predisposition syndrome. Last evaluated: 2026-01-27. Review status: criteria provided, single submitter. Criteria: Invitae Variant Classification Sherloc (09022015). Collection method: clinical testing. Allele origin: germline.

ARUP Laboratories, Molecular Genetics and Genomics, ARUP Laboratories
Classification: Likely benign. Last evaluated: 2025-06-27. Review status: criteria provided, single submitter. Criteria: ARUP Molecular Germline Variant Investigation Process 2024. Collection method: clinical testing. Allele origin: germline.

Center for Genomic Medicine, Rigshospitalet, Copenhagen University Hospital
Classification: Likely benign. Last evaluated: 2025-03-04. Review status: criteria provided, single submitter. Criteria: ACMG Guidelines, 2015. Collection method: clinical testing. Allele origin: germline.

KCCC/NGS Laboratory, Kuwait Cancer Control Center
Classification: Benign for BAP1-related tumor predisposition syndrome. Last evaluated: 2025-02-01. Review status: criteria provided, single submitter. Criteria: ACMG Guidelines, 2015. Collection method: clinical testing. Allele origin: germline. Affected: no.

Blueprint Genetics
Classification: Likely benign. Last evaluated: 2024-11-06. Review status: criteria provided, single submitter. Criteria: ACMG Guidelines, 2015. Collection method: clinical testing. Allele origin: germline.

Myriad Genetics, Inc.
Classification: Benign for BAP1-related tumor predisposition syndrome. Last evaluated: 2024-07-17. Review status: criteria provided, single submitter. Criteria: Myriad Autosomal Dominant, Autosomal Recessive and X-Linked Classification Criteria (2023). Collection method: clinical testing. Allele origin: unknown.
Comment: This variant is considered benign. This variant is a silent/synonymous amino acid change and it is not expected to impact splicing.

Genetic Services Laboratory, University of Chicago
Classification: Benign. Last evaluated: 2021-11-19. Review status: criteria provided, single submitter. Criteria: ACMG Guidelines, 2015. Collection method: clinical testing. Allele origin: germline. Affected: no.

GeneDx
Classification: Likely benign. Last evaluated: 2021-02-03. Review status: criteria provided, single submitter. Criteria: GeneDx Variant Classification Process June 2021. Collection method: clinical testing. Allele origin: germline. Affected: yes.
Comment: This variant is associated with the following publications: (PMID: 27149842)

Sema4
Classification: Benign for Hereditary cancer-predisposing syndrome. Last evaluated: 2021-01-26. Review status: criteria provided, single submitter. Criteria: Sema4 Curation Guidelines. Collection method: curation. Allele origin: germline.

Mendelics
Classification: Likely benign for BAP1-related tumor predisposition syndrome. Last evaluated: 2019-05-28. Review status: criteria provided, single submitter. Criteria: Mendelics Assertion Criteria 2017. Collection method: clinical testing. Allele origin: unknown.

Illumina Laboratory Services, Illumina
Classification: Benign for BAP1-related tumor predisposition syndrome. Last evaluated: 2018-01-13. Review status: criteria provided, single submitter. Criteria: ICSL Variant Classification Criteria 13 December 2019. Collection method: clinical testing. Allele origin: germline.
Comment: This variant was observed in the ICSL laboratory as part of a predisposition screen in an ostensibly healthy population. It had not been previously curated by ICSL or reported in the Human Gene Mutation Database (HGMD: prior to June 1st, 2018), and was therefore a candidate for classification through an automated scoring system. Utilizing variant allele frequency, disease prevalence and penetrance estimates, and inheritance mode, an automated score was calculated to assess if this variant is too frequent to cause the disease. Based on the score and internal cut-off values, a variant classified as benign is not then subjected to further curation. The score for this variant resulted in a classification of benign for this disease.

Color Diagnostics, LLC DBA Color Health
Classification: Likely benign for Hereditary cancer-predisposing syndrome. Last evaluated: 2016-08-05. Review status: criteria provided, single submitter. Criteria: ACMG Guidelines, 2015. Collection method: clinical testing. Allele origin: germline.

Ambry Genetics
Classification: Likely benign for Hereditary cancer-predisposing syndrome. Last evaluated: 2015-07-03. Review status: criteria provided, single submitter. Criteria: Ambry Variant Classification Scheme 2023. Collection method: clinical testing. Allele origin: germline.

PreventionGenetics, part of Exact Sciences
Classification: Benign for BAP1-related condition. Last evaluated: 2019-06-19. Review status: no assertion criteria provided. Collection method: clinical testing. Allele origin: germline. Not counted in ClinVar's aggregate classification.
Comment: This variant is classified as benign based on ACMG/AMP sequence variant interpretation guidelines (Richards et al. 2015 PMID: 25741868, with internal and published modifications).